The following is an entry in ClinVar:

NM_000448.3(RAG1):c.1822G>A (p.Val608Met)

Gene: RAG1 (recombination activating 1; plus strand). Cytogenetic location: 11p12.
Variant type: single nucleotide variant.
Coding change: c.1822G>A on transcript NM_000448.3 (MANE Select); coding-DNA position 1822, G replaced by A.
Protein change: p.Val608Met; replaces valine 608 with methionine.
Molecular consequence: missense variant.
Genome position (GRCh38, 1-based): chr11:36,575,126, G>A. VCF-style: chr11-36575126-G-A. GRCh37 (hg19) VCF-style: chr11-36596676-G-A.
Other names: c.1822G>A, p.Val608Met (NM_001377277.1, NM_001377278.1, NM_001377279.1 and 1 more transcripts); short protein forms V608M.
Identifiers: ClinVar variation 1039649 (VCV001039649.6), dbSNP rs761671439, ClinGen allele CA5950187.

ClinVar aggregate classification (germline): Uncertain significance (1 of 4 stars; one submission).

Conditions:
Severe combined immunodeficiency, autosomal recessive, T cell-negative, B cell-negative, NK cell-positive. Also called: SCID, T CELL-NEGATIVE, B CELL-NEGATIVE, NK CELL-POSITIVE; Severe combined immunodeficiency due to complete RAG1/2 deficiency; SCID, AR, T-cell negative, B-cell negative, NK cell-positive. Identifiers: Orphanet 331206, MedGen C1832322, MONDO:0011086, OMIM 601457.
Combined immunodeficiency with skin granulomas. Identifiers: Orphanet 157949, MedGen C2673536, MONDO:0009306, OMIM 233650.

Allele frequency attached by ClinVar (database versions not stated): gnomAD 0.00001; gnomAD exomes 0.00002 and 0.00004; TOPMed 0.00002; ExAC 0.00005.

Submission:

Labcorp Genetics (formerly Invitae), Labcorp
Classification: Uncertain significance for Combined immunodeficiency with skin granulomas; Severe combined immunodeficiency, autosomal recessive, T cell-negative, B cell-negative, NK cell-positive. Last evaluated: 2022-08-09. Review status: criteria provided, single submitter. Criteria: Invitae Variant Classification Sherloc (09022015). Collection method: clinical testing. Allele origin: germline.
Comment: This sequence change replaces valine, which is neutral and non-polar, with methionine, which is neutral and non-polar, at codon 608 of the RAG1 protein (p.Val608Met). This variant is present in population databases (rs761671439, gnomAD 0.02%). This variant has not been reported in the literature in individuals affected with RAG1-related conditions. ClinVar contains an entry for this variant (Variation ID: 1039649). Advanced modeling of protein sequence and biophysical properties (such as structural, functional, and spatial information, amino acid conservation, physicochemical variation, residue mobility, and thermodynamic stability) performed at Invitae indicates that this missense variant is expected to disrupt RAG1 protein function. In summary, the available evidence is currently insufficient to determine the role of this variant in disease. Therefore, it has been classified as a Variant of Uncertain Significance.